The following is an entry in ClinVar:

NM_014927.5(CNKSR2):c.314G>A (p.Gly105Glu)

Gene: CNKSR2 (connector enhancer of kinase suppressor of Ras 2; plus strand). Cytogenetic location: Xp22.12.
Variant type: single nucleotide variant.
Coding change: c.314G>A on transcript NM_014927.5 (MANE Select); coding-DNA position 314, G replaced by A.
Protein change: p.Gly105Glu; replaces glycine 105 with glutamic acid.
Molecular consequence: missense variant.
Genome position (GRCh38, 1-based): chrX:21,432,697, G>A. VCF-style: chrX-21432697-G-A. GRCh37 (hg19) VCF-style: chrX-21450815-G-A.
Other names: c.314G>A, p.Gly105Glu (NM_001168647.3, NM_001168648.3, NM_001168649.3 and 4 more transcripts); short protein forms G105E.
Identifiers: ClinVar variation 1418078 (VCV001418078.8), dbSNP rs1275639428, ClinGen allele CA412552195.
Genomic context (GRCh38, chrX:21,432,697, plus strand): 5'-TAAAAACCCTTTCTCACAAGTTGAATGCATCTGCCAAAAATCTGCAGAATTTTATAACAG[G>A]AAGGAGAAGGAGTGGCCATTATGATGGGAGGACCAGCCGAAAATTGCCAAACGACTTTCT-3'
Protein context (NP_055742.2, residues 95-115): SAKNLQNFIT[Gly105Glu]RRRSGHYDGR

ClinVar aggregate classification (germline): Uncertain significance (1 of 4 stars; one submission).

Allele frequency attached by ClinVar (database versions not stated): gnomAD exomes below 0.00001 and 0.00001; TOPMed 0.00002.
gnomAD v4.1: 1 of 1,203,218 alleles (0.000083%); highest among the groups gnomAD compares: Admixed American, 0.0022%; no homozygotes.

Submission:

Labcorp Genetics (formerly Invitae), Labcorp
Classification: Uncertain significance. Last evaluated: 2021-02-04. Review status: criteria provided, single submitter. Criteria: Invitae Variant Classification Sherloc (09022015). Collection method: clinical testing. Allele origin: germline.
Comment: In summary, the available evidence is currently insufficient to determine the role of this variant in disease. Therefore, it has been classified as a Variant of Uncertain Significance. Algorithms developed to predict the effect of missense changes on protein structure and function are either unavailable or do not agree on the potential impact of this missense change (SIFT: "Not Available"; PolyPhen-2: "Benign"; Align-GVGD: "Not Available"). This variant has not been reported in the literature in individuals with CNKSR2-related conditions. This variant is not present in population databases (ExAC no frequency). This sequence change replaces glycine with glutamic acid at codon 105 of the CNKSR2 protein (p.Gly105Glu). The glycine residue is moderately conserved and there is a moderate physicochemical difference between glycine and glutamic acid.